The following is an entry in ClinVar:

NM_001164665.2(KIAA1549):c.5006C>T (p.Pro1669Leu)

Gene: KIAA1549 (KIAA1549; minus strand). Cytogenetic location: 7q34.
Variant type: single nucleotide variant.
Coding change: c.5006C>T on transcript NM_001164665.2 (MANE Select); coding-DNA position 5006, C replaced by T.
Protein change: p.Pro1669Leu; replaces proline 1669 with leucine.
Molecular consequence: missense variant.
Genome position (GRCh38, 1-based): chr7:138,861,380, G>A on the plus strand (C>T on the coding strand, the complement: KIAA1549 is on the minus strand). VCF-style: chr7-138861380-G-A. GRCh37 (hg19) VCF-style: chr7-138546126-G-A.
Other names: c.5006C>T, p.Pro1669Leu (NM_020910.3); c.5006C>T (NM_001164665.1); short protein forms P1669L.
Identifiers: ClinVar variation 1507736 (VCV001507736.7), dbSNP rs750198727, ClinGen allele CA4505676.
Genomic context (GRCh38, chr7:138,861,380, plus strand): 5'-GAGTGCATGGTCTGGCGTGCCTCCTCGATGGACGGCTGGGGTGGGATGTACTGGGAGGCC[G>A]GGAAGGGAAGGGCTGGATACCTCCCCAGTTCCACCGAGGATGGTGTCTGCACATCGGCTG-3'
Protein context (NP_001158137.1, residues 1659-1679): ELGRYPALPF[Pro1669Leu]ASQYIPPQPS

ClinVar aggregate classification (germline): Uncertain significance. Review status: criteria provided, multiple submitters, no conflicts (2 of 4 stars). 3 submissions from 3 submitters: Uncertain significance (3). Last evaluated 2023-01-23.

Conditions:
Inborn genetic diseases. Identifiers: MedGen C0950123, MeSH D030342.

Allele frequency attached by ClinVar (database versions not stated): ExAC 0.00001; gnomAD exomes 0.00001; gnomAD 0.00003; TOPMed 0.00003.
gnomAD v4.1: 27 of 1,611,060 alleles (0.0017%); highest among the groups gnomAD compares: Non-Finnish European, 0.0019%; no homozygotes.

Submissions (3):

Ambry Genetics
Classification: Uncertain significance for Inborn genetic diseases. Last evaluated: 2023-01-23. Review status: criteria provided, single submitter. Criteria: Ambry Variant Classification Scheme 2023. Collection method: clinical testing. Allele origin: germline.

Labcorp Genetics (formerly Invitae), Labcorp
Classification: Uncertain significance. Last evaluated: 2022-03-19. Review status: criteria provided, single submitter. Criteria: Invitae Variant Classification Sherloc (09022015). Collection method: clinical testing. Allele origin: germline.
Comment: This sequence change replaces proline, which is neutral and non-polar, with leucine, which is neutral and non-polar, at codon 1669 of the KIAA1549 protein (p.Pro1669Leu). This variant is present in population databases (rs750198727, gnomAD 0.002%). This variant has not been reported in the literature in individuals affected with KIAA1549-related conditions. Algorithms developed to predict the effect of missense changes on protein structure and function are either unavailable or do not agree on the potential impact of this missense change (SIFT: "Deleterious"; PolyPhen-2: "Possibly Damaging"; Align-GVGD: "Class C15"). In summary, the available evidence is currently insufficient to determine the role of this variant in disease. Therefore, it has been classified as a Variant of Uncertain Significance.

Blueprint Genetics
Classification: Uncertain significance. Last evaluated: 2021-07-05. Review status: criteria provided, single submitter. Criteria: ACMG Guidelines, 2015. Collection method: clinical testing. Allele origin: germline.